The following is an entry in ClinVar:

ClinVar aggregate classification (germline): Uncertain significance. Review status: criteria provided, multiple submitters, no conflicts (2 of 4 stars). 2 submissions from 2 submitters: Uncertain significance (2). Last evaluated 2025-09-28.

Allele frequency attached by ClinVar (database versions not stated): gnomAD exomes 0.00001.

Submissions (2):

Labcorp Genetics (formerly Invitae), Labcorp
Classification: Uncertain significance. Last evaluated: 2025-09-28. Review status: criteria provided, single submitter. Criteria: Invitae Variant Classification Sherloc (09022015). Collection method: clinical testing. Allele origin: germline.
Comment: This sequence change replaces glycine, which is neutral and non-polar, with valine, which is neutral and non-polar, at codon 448 of the THBD protein (p.Gly448Val). This variant is not present in population databases (gnomAD no frequency). This variant has not been reported in the literature in individuals affected with THBD-related conditions. ClinVar contains an entry for this variant (Variation ID: 2003621). An algorithm developed to predict the effect of missense changes on protein structure and function (PolyPhen-2) suggests that this variant is likely to be disruptive. In summary, the available evidence is currently insufficient to determine the role of this variant in disease. Therefore, it has been classified as a Variant of Uncertain Significance.

CeGaT Center for Human Genetics Tuebingen
Classification: Uncertain significance. Last evaluated: 2023-08-01. Review status: criteria provided, single submitter. Criteria: CeGaT Center For Human Genetics Tuebingen Variant Classification Criteria Version 2. Collection method: clinical testing. Allele origin: germline. Affected: yes. Observed: 1 variant allele.
Comment: THBD: PM2, PP4

NM_000361.3(THBD):c.1343G>T (p.Gly448Val)

Gene: THBD (thrombomodulin; minus strand). Cytogenetic location: 20p11.21.
Variant type: single nucleotide variant.
Coding change: c.1343G>T on transcript NM_000361.3 (MANE Select); coding-DNA position 1343, G replaced by T.
Protein change: p.Gly448Val; replaces glycine 448 with valine.
Molecular consequence: missense variant.
Genome position (GRCh38, 1-based): chr20:23,048,162, C>A on the plus strand (G>T on the coding strand, the complement: THBD is on the minus strand). VCF-style: chr20-23048162-C-A. GRCh37 (hg19) VCF-style: chr20-23028799-C-A.
Other names: short protein forms G448V.
Identifiers: ClinVar variation 2003621 (VCV002003621.29), dbSNP rs2515203237, ClinGen allele CA408405716.